The following is an entry in ClinVar:

ClinVar aggregate classification (germline): Uncertain significance (1 of 4 stars; one submission).

Conditions:
Cornelia de Lange syndrome 1 (CDLS1). Also called: Brachmann de Lange syndrome; NIPBL-Related Cornelia de Lange Syndrome; TYPUS DEGENERATIVUS AMSTELODAMENSIS. Identifiers: Orphanet 199, MedGen C4551851, MONDO:0007387, OMIM 122470.

Submission:

Labcorp Genetics (formerly Invitae), Labcorp
Classification: Uncertain significance for Cornelia de Lange syndrome 1. Last evaluated: 2025-03-26. Review status: criteria provided, single submitter. Criteria: Invitae Variant Classification Sherloc (09022015). Collection method: clinical testing. Allele origin: germline.
Comment: This sequence change replaces aspartic acid, which is acidic and polar, with asparagine, which is neutral and polar, at codon 2433 of the NIPBL protein (p.Asp2433Asn). This variant is not present in population databases (gnomAD no frequency). This missense change has been observed in individual(s) with Cornelia de Lange syndrome (PMID: 23254390). Invitae Evidence Modeling of protein sequence and biophysical properties (such as structural, functional, and spatial information, amino acid conservation, physicochemical variation, residue mobility, and thermodynamic stability) indicates that this missense variant is expected to disrupt NIPBL protein function with a positive predictive value of 95%. This variant disrupts the p.Asp2433 amino acid residue in NIPBL. Other variant(s) that disrupt this residue have been observed in individuals with NIPBL-related conditions (PMID: 16958143), which suggests that this may be a clinically significant amino acid residue. In summary, the available evidence is currently insufficient to determine the role of this variant in disease. Therefore, it has been classified as a Variant of Uncertain Significance.

Literature cited by the submitters: PubMed 23254390; PubMed 16958143.

NM_133433.4(NIPBL):c.7297G>A (p.Asp2433Asn)

Gene: NIPBL (NIPBL cohesin loading factor; plus strand). Cytogenetic location: 5p13.2.
Variant type: single nucleotide variant.
Coding change: c.7297G>A on transcript NM_133433.4 (MANE Select); coding-DNA position 7297, G replaced by A.
Protein change: p.Asp2433Asn; replaces aspartic acid 2433 with asparagine.
Molecular consequence: missense variant.
Genome position (GRCh38, 1-based): chr5:37,057,219, G>A. VCF-style: chr5-37057219-G-A. GRCh37 (hg19) VCF-style: chr5-37057321-G-A.
Other names: c.7297G>A, p.Asp2433Asn (NM_001438586.1, NM_015384.5); short protein forms D2433N.
Identifiers: ClinVar variation 4747435 (VCV004747435.1).